The following is an entry in ClinVar:

ClinVar aggregate classification (germline): Uncertain significance (1 of 4 stars; one submission).

Conditions:
Hereditary cancer-predisposing syndrome. Also called: Hereditary Cancer Syndrome; Neoplastic Syndromes, Hereditary; Tumor predisposition; Hereditary neoplastic syndrome. Identifiers: Orphanet 140162, MedGen C0027672, MeSH D009386, MONDO:0015356.

Submission:

Ambry Genetics
Classification: Uncertain significance for Hereditary cancer-predisposing syndrome. Last evaluated: 2016-12-22. Review status: criteria provided, single submitter. Criteria: Ambry Variant Classification Scheme 2023. Collection method: clinical testing. Allele origin: germline.
Comment: The p.A258V variant (also known as c.773C>T), located in coding exon 6 of the FH gene, results from a C to T substitution at nucleotide position 773. The alanine at codon 258 is replaced by valine, an amino acid with similar properties. This amino acid position is not well conserved in available vertebrate species. In addition, the in silico prediction for this alteration is inconclusive. Since supporting evidence is limited at this time, the clinical significance of this alteration remains unclear.

NM_000143.4(FH):c.773C>T (p.Ala258Val)

Gene: FH (fumarate hydratase; minus strand). Cytogenetic location: 1q43.
Variant type: single nucleotide variant.
Coding change: c.773C>T on transcript NM_000143.4 (MANE Select); coding-DNA position 773, C replaced by T.
Protein change: p.Ala258Val; replaces alanine 258 with valine.
Molecular consequence: missense variant.
Genome position (GRCh38, 1-based): chr1:241,506,134, G>A on the plus strand (C>T on the coding strand, the complement: FH is on the minus strand). VCF-style: chr1-241506134-G-A. GRCh37 (hg19) VCF-style: chr1-241669434-G-A.
Other names: short protein forms A258V.
Identifiers: ClinVar variation 480790 (VCV000480790.5), dbSNP rs1553341166, ClinGen allele CA345439050.
Genomic context (GRCh38, chr1:241,506,134, plus strand): 5'-GCAGTGCCTCCAGCTGCGAGCTCATAGATTCTTGGCATGGCAGCTTTTATTCTTGTCATT[G>A]CATATTTTACTTGTTGAACATAACCACTAAATTCCTGAAAAGAAAAGAAAATTAAGGTAA-3'
Protein context (NP_000134.2, residues 248-268): FSGYVQQVKY[Ala258Val]MTRIKAAMPR